The following is an entry in ClinVar:

ClinVar aggregate classification (germline): Uncertain significance (1 of 4 stars; one submission).

Conditions:
Primary ciliary dyskinesia. Also called: Ciliary dyskinesia. Identifiers: Orphanet 244, MedGen C0008780, MONDO:0016575, HP:0012265.

Submission:

Labcorp Genetics (formerly Invitae), Labcorp
Classification: Uncertain significance for Primary ciliary dyskinesia. Last evaluated: 2017-02-09. Review status: criteria provided, single submitter. Criteria: Invitae Variant Classification Sherloc (09022015). Collection method: clinical testing. Allele origin: germline.
Comment: In summary, this variant is a novel missense change with uncertain impact on protein function. It has been classified as a Variant of Uncertain Significance. Algorithms developed to predict the effect of missense changes on protein structure and function do not agree on the potential impact of this missense change (SIFT: "Deleterious"; PolyPhen-2: "Possibly Damaging"; Align-GVGD: "Class C0"). This variant is not present in population databases (ExAC no frequency) and has not been reported in the literature in individuals with a CCDC114-related disease. This sequence change replaces methionine with arginine at codon 455 of the CCDC114 protein (p.Met455Arg). The methionine residue is weakly conserved and there is a moderate physicochemical difference between methionine and arginine.

NM_001364171.2(ODAD1):c.1475T>G (p.Met492Arg)

Gene: ODAD1 (outer dynein arm docking complex subunit 1; minus strand). Cytogenetic location: 19q13.33.
Variant type: single nucleotide variant.
Coding change: c.1475T>G on transcript NM_001364171.2 (MANE Select); coding-DNA position 1475, T replaced by G.
Protein change: p.Met492Arg; replaces methionine 492 with arginine.
Molecular consequence: missense variant.
Genome position (GRCh38, 1-based): chr19:48,298,027, A>C on the plus strand (T>G on the coding strand, the complement: ODAD1 is on the minus strand). VCF-style: chr19-48298027-A-C. GRCh37 (hg19) VCF-style: chr19-48801284-A-C.
Other names: c.1364T>G, p.Met455Arg (NM_144577.4); short protein forms M455R, M492R.
Identifiers: ClinVar variation 454965 (VCV000454965.9), dbSNP rs1555879279, ClinGen allele CA406655243.